The following is an entry in ClinVar:

ClinVar aggregate classification (germline): Pathogenic/Likely pathogenic. Review status: criteria provided, multiple submitters, no conflicts (2 of 4 stars). 17 submissions from 15 submitters: Pathogenic (10); Likely pathogenic (5). 2 of the submissions do not count toward it. Last evaluated 2026-09-25.

Conditions:
PNPT1-related disorder. Also called: PNPT1-related condition; PNPT1-related disorders.
Combined oxidative phosphorylation defect type 13. Also called: Combined oxidative phosphorylation deficiency 13. Identifiers: Orphanet 319514, MedGen C4706283, MONDO:0013977, OMIM 614932.
Autosomal recessive nonsyndromic hearing loss 70. Also called: Deafness, autosomal recessive 70. Identifiers: Orphanet 90636, MedGen C1824925, MONDO:0013978, OMIM 614934.
Spinocerebellar ataxia type 25. Identifiers: Orphanet 101111, MedGen C1837518, MONDO:0012103, OMIM 608703.
Neurodevelopmental disorder. Identifiers: MedGen C1535926, MeSH D065886, MONDO:0700092.
Inborn genetic diseases. Identifiers: MedGen C0950123, MeSH D030342.

Allele frequency attached by ClinVar (database versions not stated): gnomAD exomes 0.00021 and 0.00033; ExAC 0.00022; ESP Exome Variant Server 0.00023; gnomAD 0.00026; TOPMed 0.00029.
gnomAD v4.1: 512 of 1,608,054 alleles (0.032%); highest among the groups gnomAD compares: Non-Finnish European, 0.041%; no homozygotes.

Submissions 1 to 11 of 17:

GeneDx
Classification: Likely pathogenic. Last evaluated: 2026-09-25. Review status: criteria provided, single submitter. Criteria: GeneDx Variant Classification Process June 2021. Collection method: clinical testing. Allele origin: germline.
Comment: In silico analysis suggests that this missense variant does not alter protein structure/function; This variant is associated with the following publications: (PMID: 28594066, 39843441, 26016801, 28645153, 30244537, 30046113, 30831263, 31752325, 25457163, 32313153, 31694722, 33726816, 34440436, 34426522, 35012964, 30029642, 33199448, 36147510, 32020600, 38465286, 25326635, 11080643, 39997218, 41028987)

OLLIN Analises Genomicas, OLLIN
Classification: Likely pathogenic for Spinocerebellar ataxia type 25. Last evaluated: 2026-08-06. Review status: criteria provided, single submitter. Criteria: ACMG Guidelines 2015 PMID 25741868. Collection method: clinical testing. Allele origin: germline. Inheritance: Autosomal recessive inheritance.
Comment: This missense variant, located in exon 19 (of 28), has been reported in ClinVar (accession VCV000215010.56), in gnomAD with an allele frequency of 0.032%, and in the scientific literature, in compound heterozygosity, in individuals with PNPT1 related disorders (PMID: 30046113). In silico analysis is inconclusive regarding the impact of this variant; however, functional studies suggest that it affects protein function (PMID: 30046113). According to the currently available evidence, this variant has been classified as likely pathogenic (PS3_P, PM2_P, PM3_S, BP4).

PreventionGenetics, part of Exact Sciences
Classification: Pathogenic for PNPT1-related condition. Last evaluated: 2026-06-10. Review status: criteria provided, single submitter. Criteria: ACMG Guidelines, 2015. Collection method: clinical testing. Allele origin: germline.
Comment: The PNPT1 c.1519G>T variant is predicted to result in the amino acid substitution p.Ala507Ser. This variant has been reported in the compound heterozygote or homozygote state in multiple individuals with autosomal recessive PNPT1-related conditions and has been shown to segregate with the disorder in at least one family (see for example, Slavotinek et al. 2015. PubMed ID: 25457163; Table S1, Rius et al. 2019. PubMed ID: 31752325; Supplementary info, Schlüter. 2022. PubMed ID: 35012964). Functional studies suggest that this variant adversely impacts phosphorylase catalytic activity (Symmons et al. 2000. PMID: 11080643; Extended data table 1, Dhir et al. 2018. PubMed ID: 30046113). An alternate nucleotide change affecting the same amino acid (p.Ala507Gly) has been classified as pathogenic and reported in individuals with PNPT1-related conditions (Lee et al. 2020. PubMed ID: 32020600; Supplemental Table 2, Ko et al. 2023. PubMed ID: 37645600). The c.1519G>T variant is reported in 0.046% of alleles in individuals of European (non-Finnish) descent in gnomAD. This variant is consistently classified as pathogenic/likely pathogenic in ClinVar (ClinVar ID: 215010). This variant is interpreted as pathogenic.

Women's Health and Genetics/Laboratory Corporation of America, LabCorp
Classification: Pathogenic for PNPT1-Related Disorders. Last evaluated: 2026-01-14. Review status: criteria provided, single submitter. Criteria: LabCorp Variant Classification Summary - May 2015. Collection method: clinical testing. Allele origin: germline.
Comment: Variant summary: PNPT1 c.1519G>T (p.Ala507Ser) results in a conservative amino acid change in the encoded protein sequence. Algorithms developed to predict the effect of missense changes on protein structure and function are either unavailable or do not agree on the potential impact of this missense change. The variant allele was found at a frequency of 0.00021 in 250814 control chromosomes. This frequency is not significantly higher than estimated for disease-causing variants in PNPT1, allowing no conclusion about variant significance. c.1519G>T has been observed in multiple compound heterozygous individuals affected with PNPT1-Related Disorders (e.g. Slavotinek_2015, Nogueira_2019, Ruis_2019, Dhir_2018). These data indicate that the variant is very likely to be associated with disease. To our knowledge, no experimental evidence demonstrating an impact on protein function has been reported. The following publications have been ascertained in the context of this evaluation (PMID: 25457163, 30831263, 31752325, 30046113). ClinVar contains an entry for this variant (Variation ID: 215010). Based on the evidence outlined above, the variant was classified as pathogenic.

Labcorp Genetics (formerly Invitae), Labcorp
Classification: Pathogenic. Last evaluated: 2025-11-25. Review status: criteria provided, single submitter. Criteria: Invitae Variant Classification Sherloc (09022015). Collection method: clinical testing. Allele origin: germline.
Comment: This sequence change replaces alanine, which is neutral and non-polar, with serine, which is neutral and polar, at codon 507 of the PNPT1 protein (p.Ala507Ser). This variant is present in population databases (rs143712760, gnomAD 0.05%). This missense change has been observed in individual(s) with PNPT1-related conditions (PMID: 25326635, 25457163, 30831263, 31752325, 32313153). In at least one individual the data is consistent with being in trans (on the opposite chromosome) from a pathogenic variant. ClinVar contains an entry for this variant (Variation ID: 215010). Invitae Evidence Modeling of protein sequence and biophysical properties (such as structural, functional, and spatial information, amino acid conservation, physicochemical variation, residue mobility, and thermodynamic stability) indicates that this missense variant is not expected to disrupt PNPT1 protein function with a negative predictive value of 80%. For these reasons, this variant has been classified as Pathogenic.

Blueprint Genetics
Classification: Pathogenic for PNPT1-related disorders. Last evaluated: 2024-11-22. Review status: criteria provided, single submitter. Criteria: ACMG Guidelines, 2015. Collection method: clinical testing. Allele origin: germline. Affected: yes. Observed: 5 variant alleles.

CeGaT Center for Human Genetics Tuebingen
Classification: Likely pathogenic. Last evaluated: 2022-08-01. Review status: criteria provided, single submitter. Criteria: CeGaT Center For Human Genetics Tuebingen Variant Classification Criteria Version 2. Collection method: clinical testing. Allele origin: germline. Affected: yes. Observed: 1 variant allele.
Comment: PNPT1: PP1:Strong, PM2, PM3, PM5:Supporting

Department of Pathology and Laboratory Medicine, Sinai Health System
Classification: Pathogenic for Combined oxidative phosphorylation defect type 13. Last evaluated: 2022-04-06. Review status: criteria provided, single submitter. Criteria: ACMG Guidelines, 2015. Collection method: research. Allele origin: germline.

Baylor Genetics
Classification: Pathogenic for Autosomal recessive nonsyndromic hearing loss 70. Last evaluated: 2022-03-08. Review status: criteria provided, single submitter. Criteria: ACMG Guidelines, 2015. Collection method: clinical testing. Allele origin: unknown.

Victorian Clinical Genetics Services, Murdoch Childrens Research Institute
Classification: Pathogenic for Combined oxidative phosphorylation defect type 13. Last evaluated: 2020-05-21. Review status: criteria provided, single submitter. Criteria: ACMG Guidelines, 2015. Collection method: clinical testing. Allele origin: germline. Inheritance: Autosomal recessive inheritance.
Comment: Based on the classification scheme VCGS_Germline_v1.1.1, this variant is classified as pathogenic. Following criteria are met: 0102 - Loss-of-function is a mechanism of disease for this gene. (N) 0106 - This gene is known to be associated with autosomal recessive disease. (N) 0200 - Variant is predicted to result in a missense amino acid change from alanine to serine (exon 19). (N) 0251 - Variant is heterozygous. (N) 0304 - Variant is present in gnomAD <0.01 for a recessive condition (60 heterozygotes, 0 homozygotes). (P) 0502 - Missense variant with conflicting in-silico predictions and/or uninformative conservation. (N) 0600 - Variant is located in an annotated domain or motif (RNase PH C domain; PMID: 31752325) (N) 0705 - No comparable variants have previous evidence for pathogenicity. (N) 0801 - Strong previous evidence of pathogenicity in unrelated individuals. This variant has been reported in multiple patients with PNPT1-related disorders (ClinVar, PMID: 30046113; 30831263; 25457163; 31752325) (P) 1001 - Strong functional evidence supporting abnormal protein function. Legend: (P) - Pathogenic, (N) - Neutral, (B) - Benign

Rare Disease Group, Clinical Genetics, Karolinska Institutet
Classification: Likely pathogenic for Neurodevelopmental disorder. Last evaluated: 2019-04-09. Review status: criteria provided, single submitter. Criteria: ACMG Guidelines, 2015. Collection method: clinical testing. Allele origin: germline. Affected: yes.

NM_033109.5(PNPT1):c.1519G>T (p.Ala507Ser)

Gene: PNPT1 (polyribonucleotide nucleotidyltransferase 1; minus strand). Cytogenetic location: 2p16.1.
Variant type: single nucleotide variant.
Coding change: c.1519G>T on transcript NM_033109.5 (MANE Select); coding-DNA position 1519, G replaced by T.
Protein change: p.Ala507Ser; replaces alanine 507 with serine.
Molecular consequence: missense variant.
Genome position (GRCh38, 1-based): chr2:55,647,430, C>A on the plus strand (G>T on the coding strand, the complement: PNPT1 is on the minus strand). VCF-style: chr2-55647430-C-A. GRCh37 (hg19) VCF-style: chr2-55874565-C-A.
Other names: p.A507S:GCA>TCA; short protein forms A507S.
Identifiers: ClinVar variation 215010 (VCV000215010.60), dbSNP rs143712760, ClinGen allele CA322066.